The following is an entry in ClinVar:

ClinVar aggregate classification (germline): Uncertain significance (1 of 4 stars; one submission).

Conditions:
Autosomal recessive limb-girdle muscular dystrophy type 2E (LGMDR4). Also called: MUSCULAR DYSTROPHY, LIMB-GIRDLE, AUTOSOMAL RECESSIVE 4. Identifiers: Orphanet 119, MedGen C1858593, MONDO:0011423, OMIM 604286. Disease mechanism: Affects gamma-sarcoglycan and also disrupts the integrity of the entire sarcoglycan complex..

Allele frequency attached by ClinVar (database versions not stated): gnomAD 0.00001; TOPMed 0.00001.

Submission:

Labcorp Genetics (formerly Invitae), Labcorp
Classification: Uncertain significance for Autosomal recessive limb-girdle muscular dystrophy type 2E. Last evaluated: 2021-08-27. Review status: criteria provided, single submitter. Criteria: Invitae Variant Classification Sherloc (09022015). Collection method: clinical testing. Allele origin: germline.
Comment: This sequence change replaces asparagine with tyrosine at codon 246 of the SGCB protein (p.Asn246Tyr). The asparagine residue is moderately conserved and there is a large physicochemical difference between asparagine and tyrosine. This variant is present in population databases (rs747907287, ExAC 0.01%). This variant has not been reported in the literature in individuals affected with SGCB-related conditions. Algorithms developed to predict the effect of missense changes on protein structure and function are either unavailable or do not agree on the potential impact of this missense change (SIFT: "Deleterious"; PolyPhen-2: "Benign"; Align-GVGD: "Class C0"). In summary, the available evidence is currently insufficient to determine the role of this variant in disease. Therefore, it has been classified as a Variant of Uncertain Significance.

NM_000232.5(SGCB):c.736A>T (p.Asn246Tyr)

Gene: SGCB (sarcoglycan beta; minus strand). Cytogenetic location: 4q12.
Variant type: single nucleotide variant.
Coding change: c.736A>T on transcript NM_000232.5 (MANE Select); coding-DNA position 736, A replaced by T.
Protein change: p.Asn246Tyr; replaces asparagine 246 with tyrosine.
Molecular consequence: missense variant.
Genome position (GRCh38, 1-based): chr4:52,027,985, T>A on the plus strand (A>T on the coding strand, the complement: SGCB is on the minus strand). VCF-style: chr4-52027985-T-A. GRCh37 (hg19) VCF-style: chr4-52894151-T-A.
Other names: short protein forms N246Y.
Identifiers: ClinVar variation 1380499 (VCV001380499.5), dbSNP rs747907287, ClinGen allele CA2918307.